The following is an entry in ClinVar:

NM_000264.5(PTCH1):c.2989A>G (p.Ile997Val)

Gene: PTCH1 (patched 1; minus strand). Cytogenetic location: 9q22.32.
Variant type: single nucleotide variant.
Coding change: c.2989A>G on transcript NM_000264.5 (MANE Select); coding-DNA position 2989, A replaced by G.
Protein change: p.Ile997Val; replaces isoleucine 997 with valine.
Molecular consequence: missense variant. On other transcripts: non-coding transcript variant (1).
Genome position (GRCh38, 1-based): chr9:95,458,192, T>C on the plus strand (A>G on the coding strand, the complement: PTCH1 is on the minus strand). VCF-style: chr9-95458192-T-C. GRCh37 (hg19) VCF-style: chr9-98220474-T-C.
Other names: c.2791A>G, p.Ile931Val (NM_001083602.3); c.2986A>G, p.Ile996Val (NM_001083603.3); c.2536A>G, p.Ile846Val (NM_001083604.3, NM_001083605.3, NM_001083606.3 and 1 more transcripts); c.2833A>G, p.Ile945Val (NM_001354918.2); c.2989A>G (NM_000264.4); short protein forms I931V, I997V, I846V, I945V, I996V.
Identifiers: ClinVar variation 409141 (VCV000409141.26), dbSNP rs774440323, ClinGen allele CA5138273.
Genomic context (GRCh38, chr9:95,458,192, plus strand): 5'-AGAGGAAGGGGTAGCCGTTGGGGTAACTGGACAGCCCCAGGCTCGTATAGTTGCTGCAGA[T>C]GGTCCTTACTTTTTCAATTGCCTCCACAAAGTCTGAGGTGTCCCGCAAGCCGTTGAGGTA-3'
Protein context (NP_000255.2, residues 987-1007): FVEAIEKVRT[Ile997Val]CSNYTSLGLS

ClinVar aggregate classification (germline): Conflicting classifications of pathogenicity. Review status: criteria provided, conflicting classifications (1 of 4 stars). 5 submissions from 5 submitters: Uncertain significance (3); Likely benign (2). Last evaluated 2026-02-03.

Conditions:
Gorlin syndrome. Also called: Nevoid Basal Cell Carcinoma Syndrome; Basal cell nevus syndrome. Identifiers: Orphanet 377, MedGen C0004779, MONDO:0007187.
Hereditary cancer-predisposing syndrome. Also called: Hereditary neoplastic syndrome; Neoplastic Syndromes, Hereditary; Tumor predisposition; Hereditary Cancer Syndrome. Identifiers: Orphanet 140162, MedGen C0027672, MeSH D009386, MONDO:0015356.

Allele frequency attached by ClinVar (database versions not stated): gnomAD exomes 0.00001 and 0.00002; TOPMed 0.00001; ExAC 0.00002; gnomAD 0.00003.
gnomAD v4.1: 30 of 1,614,112 alleles (0.0019%); highest among the groups gnomAD compares: Admixed American, 0.0033%; no homozygotes.

Submissions (5):

Labcorp Genetics (formerly Invitae), Labcorp
Classification: Likely benign for Gorlin syndrome. Last evaluated: 2026-02-03. Review status: criteria provided, single submitter. Criteria: Invitae Variant Classification Sherloc (09022015). Collection method: clinical testing. Allele origin: germline.

Quest Diagnostics Nichols Institute San Juan Capistrano
Classification: Uncertain significance. Last evaluated: 2025-05-07. Review status: criteria provided, single submitter. Criteria: Quest Diagnostics criteria. Collection method: clinical testing. Allele origin: unknown.
Comment: The PTCH1 c.2989A>G (p.Ile997Val) variant has not been reported in individuals with PTCH1-related conditions in the published literature. The frequency of this variant in the general population (Genome Aggregation Database) is uninformative in the assessment of its pathogenicity. Analysis of this variant using bioinformatics tools for the prediction of the effect of amino acid changes on protein structure and function yielded conflicting predictions that this variant is deleterious or benign. Based on the available information, we are unable to determine the clinical significance of this variant.

St. Jude Molecular Pathology, St. Jude Children's Research Hospital
Classification: Uncertain significance for Basal cell nevus syndrome 1. Last evaluated: 2022-07-05. Review status: criteria provided, single submitter. Criteria: St. Jude Assertion Criteria 2020. Collection method: clinical testing. Allele origin: germline.
Comment: The PTCH1 c.2989A>G (p.Ile997Val) missense change has a maximum subpopulation frequency of 0.0031% in gnomAD v2.1.1. The in silico tool REVEL is inconclusive about a pathogenic or benign effect of this variant on protein function, and to our knowledge functional studies have not been performed. To our knowledge, this variant has not been reported in individuals with nevoid basal cell carcinoma syndrome. In summary, the evidence currently available is insufficient to determine the clinical significance of this variant. It has therefore been classified as of uncertain significance.

Sema4
Classification: Uncertain significance for Hereditary cancer-predisposing syndrome. Last evaluated: 2021-12-16. Review status: criteria provided, single submitter. Criteria: Sema4 Curation Guidelines. Collection method: curation. Allele origin: germline.
Comment: The PTCH1 c.2989A>G (p.I997V) variant has not been reported in the literature to our knowledge. It was observed in 4/129134 chromosomes in the Non-Finnish European subpopulation in the large and broad cohorts of the Genome Aggregation Database (PMID: 32461654). The variant has been reported in ClinVar (Variation ID: 409141). Functional studies have not been performed, and in silico predictions of the variant's effect on protein function are inconclusive. The evidence is insufficient to meet ACMG/AMP criteria for classifying the variant as benign or pathogenic. Thus, the clinical significance of this variant is currently uncertain.

Ambry Genetics
Classification: Likely benign for Hereditary cancer-predisposing syndrome. Last evaluated: 2020-08-25. Review status: criteria provided, single submitter. Criteria: Ambry Variant Classification Scheme 2023. Collection method: clinical testing. Allele origin: germline.